The following is an entry in ClinVar:

NM_000057.4(BLM):c.2950G>T (p.Gly984Trp)

Gene: BLM (BLM RecQ like helicase; plus strand). Cytogenetic location: 15q26.1.
Variant type: single nucleotide variant.
Coding change: c.2950G>T on transcript NM_000057.4 (MANE Select); coding-DNA position 2950, G replaced by T.
Protein change: p.Gly984Trp; replaces glycine 984 with tryptophan.
Molecular consequence: missense variant.
Genome position (GRCh38, 1-based): chr15:90,790,775, G>T. VCF-style: chr15-90790775-G-T. GRCh37 (hg19) VCF-style: chr15-91334005-G-T.
Other names: c.2950G>T, p.Gly984Trp (NM_001287246.2, NM_001287247.2); c.1825G>T, p.Gly609Trp (NM_001287248.2); short protein forms G609W, G984W.
Identifiers: ClinVar variation 3648300 (VCV003648300.2).

ClinVar aggregate classification (germline): Uncertain significance (1 of 4 stars; one submission).

Conditions:
Bloom syndrome (BLM). Also called: Bloom-Torre-Machacek syndrome. Identifiers: Orphanet 125, MedGen C0005859, MONDO:0008876, OMIM 210900.

Submission:

Labcorp Genetics (formerly Invitae), Labcorp
Classification: Uncertain significance for Bloom syndrome. Last evaluated: 2024-04-01. Review status: criteria provided, single submitter. Criteria: Invitae Variant Classification Sherloc (09022015). Collection method: clinical testing. Allele origin: germline.
Comment: This sequence change replaces glycine, which is neutral and non-polar, with tryptophan, which is neutral and slightly polar, at codon 984 of the BLM protein (p.Gly984Trp). This variant is not present in population databases (gnomAD no frequency). This variant has not been reported in the literature in individuals affected with BLM-related conditions. Advanced modeling of protein sequence and biophysical properties (such as structural, functional, and spatial information, amino acid conservation, physicochemical variation, residue mobility, and thermodynamic stability) performed at Invitae indicates that this missense variant is expected to disrupt BLM protein function with a positive predictive value of 80%. In summary, the available evidence is currently insufficient to determine the role of this variant in disease. Therefore, it has been classified as a Variant of Uncertain Significance.